The following is an entry in ClinVar:

NM_020435.4(GJC2):c.1234C>T (p.His412Tyr)

Gene: GJC2 (gap junction protein gamma 2; plus strand). Cytogenetic location: 1q42.13.
Variant type: single nucleotide variant.
Coding change: c.1234C>T on transcript NM_020435.4 (MANE Select); coding-DNA position 1234, C replaced by T.
Protein change: p.His412Tyr; replaces histidine 412 with tyrosine.
Molecular consequence: missense variant.
Genome position (GRCh38, 1-based): chr1:228,158,992, C>T. VCF-style: chr1-228158992-C-T. GRCh37 (hg19) VCF-style: chr1-228346693-C-T.
Other names: short protein forms H412Y.
Identifiers: ClinVar variation 445910 (VCV000445910.35), dbSNP rs200334298, ClinGen allele CA1430971.

ClinVar aggregate classification (germline): Conflicting classifications of pathogenicity. Review status: criteria provided, conflicting classifications (1 of 4 stars). 16 submissions from 16 submitters: Uncertain significance (11); Likely benign (3). 2 of the submissions do not count toward it. Last evaluated 2026-07-01.

Conditions:
GJC2-related disorder. Also called: GJC2-related disorders; GJC2-related condition. Identifiers: MedGen CN230087.
Inborn genetic diseases. Identifiers: MedGen C0950123, MeSH D030342.
Spastic paraplegia. Identifiers: MedGen C0037772, HP:0001258.
Lymphatic malformation 3 (LMPHM3). Identifiers: Orphanet 79452, MedGen C4747646, MONDO:0013278, OMIM 613480.
Hereditary spastic paraplegia 44. Also called: SPASTIC PARAPLEGIA 44, AUTOSOMAL RECESSIVE. Identifiers: Orphanet 320401, MedGen C2750784, MONDO:0013179, OMIM 613206.
Leukodystrophy, hypomyelinating, 2. Also called: PELIZAEUS-MERZBACHER-LIKE DISEASE, 1. Identifiers: Orphanet 280270, Orphanet 280282, MedGen C1837355, MONDO:0012125, OMIM 608804.
Hereditary spastic paraplegia. Also called: Familial spastic paraparesis. Identifiers: Orphanet 685, MedGen C0037773, MONDO:0019064. Disease mechanism: loss of function.

Allele frequency attached by ClinVar (database versions not stated): gnomAD exomes 0.00075 and 0.00096; gnomAD 0.00091 and 0.00096; TOPMed 0.00097; ExAC 0.00133.
gnomAD v4.1: 1,533 of 1,603,620 alleles (0.096%); highest among the groups gnomAD compares: Non-Finnish European, 0.12%; 3 homozygotes.

Submissions (16):

CeGaT Center for Human Genetics Tuebingen
Classification: Likely benign. Last evaluated: 2026-07-01. Review status: criteria provided, single submitter. Criteria: CeGaT Center For Human Genetics Tuebingen Variant Classification Criteria Version 2. Collection method: clinical testing. Allele origin: germline. Affected: yes. Observed: 1 variant allele.
Comment: GJC2: BS2

Labcorp Genetics (formerly Invitae), Labcorp
Classification: Uncertain significance for Spastic paraplegia. Last evaluated: 2026-01-17. Review status: criteria provided, single submitter. Criteria: Invitae Variant Classification Sherloc (09022015). Collection method: clinical testing. Allele origin: germline.
Comment: This sequence change replaces histidine, which is basic and polar, with tyrosine, which is neutral and polar, at codon 412 of the GJC2 protein (p.His412Tyr). This variant is present in population databases (rs200334298, gnomAD 0.1%), and has an allele count higher than expected for a pathogenic variant. This missense change has been observed in individual(s) with lymphedema and/or Pelizaeus-Merzbacher-like disease (PMID: 22351697, 22833003, 29906362). This variant is also known as H409Y. ClinVar contains an entry for this variant (Variation ID: 445910). Invitae Evidence Modeling of protein sequence and biophysical properties (such as structural, functional, and spatial information, amino acid conservation, physicochemical variation, residue mobility, and thermodynamic stability) has been performed for this missense variant. However, the output from this modeling did not meet the statistical confidence thresholds required to predict the impact of this variant on GJC2 protein function. Experimental studies have shown that this missense change affects GJC2 function (PMID: 22351697). In summary, the available evidence is currently insufficient to determine the role of this variant in disease. Therefore, it has been classified as a Variant of Uncertain Significance.

Women's Health and Genetics/Laboratory Corporation of America, LabCorp
Classification: Uncertain significance. Last evaluated: 2025-11-14. Review status: criteria provided, single submitter. Criteria: LabCorp Variant Classification Summary - May 2015. Collection method: clinical testing. Allele origin: germline.
Comment: Variant summary: GJC2 c.1234C>T (p.His412Tyr) results in a conservative amino acid change in the encoded protein sequence. Algorithms developed to predict the effect of missense changes on protein structure and function are either unavailable or do not agree on the potential impact of this missense change. The variant allele was found at a frequency of 0.00075 in 225966 control chromosomes. This frequency is not significantly higher than estimated for disease-causing variants in GJC2, allowing no conclusion about variant significance. c.1234C>T has been reported in individuals affected with lymphedema or Pelizaeus-Merzbacher-like disease (Finegold_2012, Zittel_2012, Michelini_2016). These data do not allow any conclusion about variant significance. At least one publication reports experimental evidence evaluating an impact on protein function, however, does not allow convincing conclusions about the variant effect (Finegold_2012). The following publications have been ascertained in the context of this evaluation (PMID: 22351697, 29906362, 35807022, 22833003). ClinVar contains an entry for this variant (Variation ID: 445910). Based on the evidence outlined above, the variant was classified as uncertain significance.

Mayo Clinic Laboratories, Mayo Clinic
Classification: Uncertain significance. Last evaluated: 2025-09-02. Review status: criteria provided, single submitter. Criteria: ACMG Guidelines, 2015. Collection method: clinical testing. Allele origin: germline. Observed: 3 variant alleles.
Comment: BS1

PreventionGenetics, part of Exact Sciences
Classification: Likely benign for GJC2-related condition. Last evaluated: 2025-05-06. Review status: criteria provided, single submitter. Criteria: ACMG Guidelines, 2015. Collection method: clinical testing. Allele origin: germline.
Comment: This variant is classified as likely benign based on ACMG/AMP sequence variant interpretation guidelines (Richards et al. 2015 PMID: 25741868, with internal and published modifications).

Laboratory of Genetics, Children's Clinical University Hospital Latvia
Classification: Likely benign. Last evaluated: 2025-02-16. Review status: criteria provided, single submitter. Criteria: ACMG Guidelines, 2015. Collection method: clinical testing. Allele origin: germline. Affected: yes.

Blueprint Genetics
Classification: Uncertain significance. Last evaluated: 2024-11-21. Review status: criteria provided, single submitter. Criteria: ACMG Guidelines, 2015. Collection method: clinical testing. Allele origin: germline.

ARUP Laboratories, Molecular Genetics and Genomics, ARUP Laboratories
Classification: Uncertain significance. Last evaluated: 2023-03-23. Review status: criteria provided, single submitter. Criteria: ARUP Molecular Germline Variant Investigation Process 2024. Collection method: clinical testing. Allele origin: germline.
Comment: The GJC2 c.1234C>T; p.His412Tyr variant (rs200334298), also known as H409Y, is reported in the literature in individuals affected with vascular and lymphatic malformations (Finegold 2012, Michelini 2016, Serio 2022). Additionally, this variant has been reported in an individual with Pelizaeus-Merzbacher-like disease, a form of hypomyelinating leukodystrophy (Zittel 2012). This variant is found in the non-Finnish European population with an allele frequency of 0.1402% (161/114,842 alleles) in the Genome Aggregation Database. Functional analyses of the variant protein show impaired function (Finegold 2012). Computational analyses are uncertain whether this variant is neutral or deleterious (REVEL: 0.5). While this variant is unlikely to be causative of autosomal dominant lymphatic malformations, due to limited and conflicting information, its clinical significance in recessive disease is uncertain at this time. References: Finegold DN et al. Connexin 47 mutations increase risk for secondary lymphedema following breast cancer treatment. Clin Cancer Res. 2012 Apr 15;18(8):2382-90. PMID: 22351697. Michelini S et al. Genetic Screening in a Large Cohort of Italian Patients Affected by Primary Lymphedema Using a Next Generation Sequencing (NGS) Approach. Lymphology. 2016 Jun;49(2):57-72. PMID: 29906362. Serio VB et al. Nosological and Theranostic Approach to Vascular Malformation through cfDNA NGS Liquid Biopsy. J Clin Med. 2022 Jun 28;11(13):3740. PMID: 35807022. Zittel S et al. "Pelizaeus-Merzbacher-like disease" presenting as complicated hereditary spastic paraplegia. J Neurol. 2012 Nov;259(11):2498-500. PMID: 22833003.

Ambry Genetics
Classification: Uncertain significance for Inborn genetic diseases. Last evaluated: 2022-09-29. Review status: criteria provided, single submitter. Criteria: Ambry Variant Classification Scheme 2023. Collection method: clinical testing. Allele origin: germline.

Molecular Diagnostics Lab, Nemours Children's Health, Delaware
Classification: Uncertain significance for Leukodystrophy, hypomyelinating, 2. Last evaluated: 2021-02-11. Review status: criteria provided, single submitter. Criteria: ACMG Guidelines, 2015. Collection method: clinical testing. Allele origin: unknown. Inheritance: Autosomal recessive inheritance. Affected: yes. Observed: 1 heterozygote.
Comment: This missense variant (c.1234C>T, p.His214Tyr) has been observed at very low frequency in population databases. It has been reported in the literature (PMID:22351697, PMID 22833003). Variant prediction programs provide no consensus as to the pathogenicity of the variant, and no functional studies have been published.

GeneDx
Classification: Uncertain significance. Last evaluated: 2019-04-15. Review status: criteria provided, single submitter. Criteria: GeneDx Variant Classification Process June 2021. Collection method: clinical testing. Allele origin: germline. Affected: yes.
Comment: Identified in individual with segmental dystonia, spasticity, and hypomyelination who also harbored 2 additional GJC2 variants (Zittel et al., 2012); Published functional studies demonstrate impaired transfer of Lucifer yellow dye in cells transfected with H412Y (described as H409Y), supporting altered gap junction function (Finegold et al., 2012); In silico analysis, which includes protein predictors and evolutionary conservation, supports that this variant does not alter protein structure/function; This variant is associated with the following publications: (PMID: 22351697, 29906362, 22833003)

Fulgent Genetics
Classification: Uncertain significance for Leukodystrophy, hypomyelinating, 2; Hereditary spastic paraplegia 44; Lymphatic malformation 3. Last evaluated: 2018-10-31. Review status: criteria provided, single submitter. Criteria: ACMG Guidelines, 2015. Collection method: clinical testing. Allele origin: unknown.

Genome Diagnostics Laboratory, The Hospital for Sick Children
Classification: Uncertain significance for Hereditary spastic paraplegia. Last evaluated: 2018-03-01. Review status: criteria provided, single submitter. Criteria: ACMG Guidelines, 2015. Collection method: clinical testing. Allele origin: germline. Affected: yes.

Center for Pediatric Genomic Medicine, Children's Mercy Hospital and Clinics
Classification: Uncertain significance. Last evaluated: 2017-05-11. Review status: criteria provided, single submitter. Criteria: ACMG Guidelines, 2015. Collection method: clinical testing. Allele origin: germline.

Clinical Genetics DNA and cytogenetics Diagnostics Lab, Erasmus MC, Erasmus Medical Center
Classification: Likely benign. Review status: no assertion criteria provided. Collection method: clinical testing. Allele origin: germline. Affected: yes. Study: VKGL Data-share Consensus. Not counted in ClinVar's aggregate classification.

Genome Diagnostics Laboratory, University Medical Center Utrecht
Classification: Likely benign. Review status: no assertion criteria provided. Collection method: clinical testing. Allele origin: germline. Affected: yes. Study: VKGL Data-share Consensus. Not counted in ClinVar's aggregate classification.

Literature cited by the submitters: PubMed 22351697 (cited by 4 submitters); PubMed 22833003 (cited by 5 submitters); PubMed 29906362 (cited by 3 submitters); PubMed 35807022 (cited by Women's Health and Genetics/Laboratory Corporation of America, LabCorp and Mayo Clinic Laboratories, Mayo Clinic).